The following is an entry in ClinVar:

ClinVar aggregate classification (germline): Likely benign. Review status: criteria provided, multiple submitters, no conflicts (2 of 4 stars). 3 submissions from 3 submitters: Likely benign (3). Last evaluated 2025-09-16.

Conditions:
JPH2-related disorder. Also called: JPH2-related condition.
Cardiovascular phenotype. Identifiers: MedGen CN230736.

Allele frequency attached by ClinVar (database versions not stated): gnomAD exomes 0.00001 and 0.00003; ExAC 0.00005; gnomAD 0.00011 and 0.00012; TOPMed 0.00011.
gnomAD v4.1: 31 of 1,610,082 alleles (0.0019%); highest among the groups gnomAD compares: African/African-American, 0.036%; no homozygotes.

Submissions (3):

PreventionGenetics, part of Exact Sciences
Classification: Likely benign for JPH2-related condition. Last evaluated: 2025-09-16. Review status: criteria provided, single submitter. Criteria: ACMG Guidelines, 2015. Collection method: clinical testing. Allele origin: germline.
Comment: This variant is classified as likely benign based on ACMG/AMP sequence variant interpretation guidelines (Richards et al. 2015 PMID: 25741868, with internal and published modifications).

GeneDx
Classification: Likely benign. Last evaluated: 2019-05-06. Review status: criteria provided, single submitter. Criteria: GeneDx Variant Classification Process June 2021. Collection method: clinical testing. Allele origin: germline. Affected: yes.

Ambry Genetics
Classification: Likely benign for Cardiovascular phenotype. Last evaluated: 2017-06-30. Review status: criteria provided, single submitter. Criteria: Ambry Variant Classification Scheme 2023. Collection method: clinical testing. Allele origin: germline.

NM_020433.5(JPH2):c.1185G>A (p.Lys395=)

Gene: JPH2 (junctophilin 2; minus strand). Cytogenetic location: 20q13.12.
Variant type: single nucleotide variant.
Coding change: c.1185G>A on transcript NM_020433.5 (MANE Select); coding-DNA position 1185, G replaced by A.
Protein change: p.Lys395=; no amino-acid change (lysine 395 retained).
Molecular consequence: synonymous variant.
Genome position (GRCh38, 1-based): chr20:44,118,608, C>T on the plus strand (G>A on the coding strand, the complement: JPH2 is on the minus strand). VCF-style: chr20-44118608-C-T. GRCh37 (hg19) VCF-style: chr20-42747248-C-T.
Identifiers: ClinVar variation 520367 (VCV000520367.8), dbSNP rs760586009, ClinGen allele CA9868704.